The following is an entry in ClinVar:

ClinVar aggregate classification (germline): Uncertain significance (1 of 4 stars; one submission).

Allele frequency attached by ClinVar (database versions not stated): gnomAD 0.00001; ESP Exome Variant Server 0.00008.
gnomAD v4.1: 1 of 1,610,958 alleles (0.000062%); highest among the groups gnomAD compares: Non-Finnish European, 0.000085%; no homozygotes.

Submission:

Labcorp Genetics (formerly Invitae), Labcorp
Classification: Uncertain significance. Last evaluated: 2022-06-09. Review status: criteria provided, single submitter. Criteria: Invitae Variant Classification Sherloc (09022015). Collection method: clinical testing. Allele origin: germline.
Comment: In summary, the available evidence is currently insufficient to determine the role of this variant in disease. Therefore, it has been classified as a Variant of Uncertain Significance. Algorithms developed to predict the effect of missense changes on protein structure and function are either unavailable or do not agree on the potential impact of this missense change (SIFT: "Tolerated"; PolyPhen-2: "Not Available"; Align-GVGD: "Class C0"). This variant has not been reported in the literature in individuals affected with PTPN23-related conditions. This variant is not present in population databases (gnomAD no frequency). This sequence change replaces proline, which is neutral and non-polar, with serine, which is neutral and polar, at codon 955 of the PTPN23 protein (p.Pro955Ser).

NM_015466.4(PTPN23):c.2863C>T (p.Pro955Ser)

Gene: PTPN23 (protein tyrosine phosphatase non-receptor type 23; plus strand). Cytogenetic location: 3p21.31.
Variant type: single nucleotide variant.
Coding change: c.2863C>T on transcript NM_015466.4 (MANE Select); coding-DNA position 2863, C replaced by T.
Protein change: p.Pro955Ser; replaces proline 955 with serine.
Molecular consequence: missense variant.
Genome position (GRCh38, 1-based): chr3:47,410,661, C>T. VCF-style: chr3-47410661-C-T. GRCh37 (hg19) VCF-style: chr3-47452151-C-T.
Other names: c.2485C>T, p.Pro829Ser (NM_001304482.2); short protein forms P829S, P955S.
Identifiers: ClinVar variation 1960583 (VCV001960583.5), dbSNP rs149966020, ClinGen allele CA73881048.